The following is an entry in ClinVar:

NM_005739.4(RASGRP1):c.1527G>A (p.Met509Ile)

Gene: RASGRP1 (RAS guanyl releasing protein 1; minus strand). Cytogenetic location: 15q14.
Variant type: single nucleotide variant.
Coding change: c.1527G>A on transcript NM_005739.4 (MANE Select); coding-DNA position 1527, G replaced by A.
Protein change: p.Met509Ile; replaces methionine 509 with isoleucine.
Molecular consequence: missense variant.
Genome position (GRCh38, 1-based): chr15:38,502,323, C>T on the plus strand (G>A on the coding strand, the complement: RASGRP1 is on the minus strand). VCF-style: chr15-38502323-C-T. GRCh37 (hg19) VCF-style: chr15-38794524-C-T.
Other names: c.1422G>A, p.Met474Ile (NM_001128602.2, NM_001306086.2); short protein forms M474I, M509I.
Identifiers: ClinVar variation 1494950 (VCV001494950.6), dbSNP rs563079518, ClinGen allele CA7470878.

ClinVar aggregate classification (germline): Uncertain significance (1 of 4 stars; one submission).

Allele frequency attached by ClinVar (database versions not stated): gnomAD exomes below 0.00001 and 0.00001; gnomAD 0.00001; ExAC 0.00002; 1000 Genomes Project 0.00020; 1000 Genomes Project 30x 0.00031.
gnomAD v4.1: 3 of 1,580,890 alleles (0.00019%); highest among the groups gnomAD compares: East Asian, 0.0045%; no homozygotes.

Submission:

Labcorp Genetics (formerly Invitae), Labcorp
Classification: Uncertain significance. Last evaluated: 2024-02-17. Review status: criteria provided, single submitter. Criteria: Invitae Variant Classification Sherloc (09022015). Collection method: clinical testing. Allele origin: germline.
Comment: This sequence change replaces methionine, which is neutral and non-polar, with isoleucine, which is neutral and non-polar, at codon 509 of the RASGRP1 protein (p.Met509Ile). This variant is present in population databases (rs563079518, gnomAD 0.01%). This variant has not been reported in the literature in individuals affected with RASGRP1-related conditions. ClinVar contains an entry for this variant (Variation ID: 1494950). Advanced modeling of protein sequence and biophysical properties (such as structural, functional, and spatial information, amino acid conservation, physicochemical variation, residue mobility, and thermodynamic stability) performed at Invitae indicates that this missense variant is not expected to disrupt RASGRP1 protein function with a negative predictive value of 80%. In summary, the available evidence is currently insufficient to determine the role of this variant in disease. Therefore, it has been classified as a Variant of Uncertain Significance.